The following is an entry in ClinVar:

NM_000092.5(COL4A4):c.4175del (p.Gly1392fs)

Gene: COL4A4 (collagen type IV alpha 4 chain; minus strand). Cytogenetic location: 2q36.3.
Variant type: Deletion.
Coding change: c.4175del on transcript NM_000092.5 (MANE Select); coding-DNA position 4175, one base deleted (G; older notation c.4175delG).
Protein change: p.Gly1392fs; shifts the reading frame from glycine 1392.
Molecular consequence: frameshift variant.
Genome position (GRCh38, 1-based): chr2:227,022,089, C deleted on the plus strand (G on the coding strand, the reverse complement: COL4A4 is on the minus strand); the first of 2 consecutive C bases (chr2:227,022,089-227,022,090); deleting either gives the same sequence. VCF-style (leftmost placement, unchanged base first): chr2-227022088-TC-T. GRCh37 (hg19) VCF-style: chr2-227886804-TC-T.
Other names: short protein forms G1392fs.
Identifiers: ClinVar variation 2131091 (VCV002131091.4), dbSNP rs2473006353, ClinGen allele CA2580065819.

ClinVar aggregate classification (germline): Pathogenic (1 of 4 stars; one submission).

Submission:

Labcorp Genetics (formerly Invitae), Labcorp
Classification: Pathogenic. Last evaluated: 2022-04-28. Review status: criteria provided, single submitter. Criteria: Invitae Variant Classification Sherloc (09022015). Collection method: clinical testing. Allele origin: germline.
Comment: This sequence change creates a premature translational stop signal (p.Gly1392Glufs*8) in the COL4A4 gene. It is expected to result in an absent or disrupted protein product. Loss-of-function variants in COL4A4 are known to be pathogenic (PMID: 21196518, 24854265, 25307543). This variant is not present in population databases (gnomAD no frequency). This variant has not been reported in the literature in individuals affected with COL4A4-related conditions. For these reasons, this variant has been classified as Pathogenic.

Literature cited by the submitters: PubMed 21196518; PubMed 24854265; PubMed 25307543.